The following is an entry in ClinVar:

NM_014795.4(ZEB2):c.1150C>T (p.Gln384Ter)

Gene: ZEB2 (zinc finger E-box binding homeobox 2; minus strand). Cytogenetic location: 2q22.3.
Variant type: single nucleotide variant.
Coding change: c.1150C>T on transcript NM_014795.4 (MANE Select); coding-DNA position 1150, C replaced by T.
Protein change: p.Gln384Ter; replaces glutamine 384 with a stop codon.
Molecular consequence: nonsense.
Genome position (GRCh38, 1-based): chr2:144,400,037, G>A on the plus strand (C>T on the coding strand, the complement: ZEB2 is on the minus strand). VCF-style: chr2-144400037-G-A. GRCh37 (hg19) VCF-style: chr2-145157604-G-A.
Other names: c.1078C>T, p.Gln360Ter (NM_001171653.2); short protein forms Q360*, Q384*.
Identifiers: ClinVar variation 3338815 (VCV003338815.1).

ClinVar aggregate classification (germline): Pathogenic (1 of 4 stars; one submission).

Submission:

GeneDx
Classification: Pathogenic. Last evaluated: 2024-02-08. Review status: criteria provided, single submitter. Criteria: GeneDx Variant Classification Process June 2021. Collection method: clinical testing. Allele origin: germline. Affected: yes.
Comment: Nonsense variant predicted to result in protein truncation or nonsense mediated decay in a gene for which loss of function is a known mechanism of disease; Not observed at significant frequency in large population cohorts (gnomAD); This variant is associated with the following publications: (PMID: 25123255)